The following is an entry in ClinVar:

NM_001122630.2(CDKN1C):c.832_835delinsCTGCGCCTGA (p.Gly278_Asp279delinsLeuArgLeuAsn)

Gene: CDKN1C (cyclin dependent kinase inhibitor 1C; minus strand). Cytogenetic location: 11p15.4.
Variant type: Indel.
Coding change: c.832_835delinsCTGCGCCTGA on transcript NM_001122630.2 (MANE Select); coding-DNA positions 832 to 835, GGCG replaced by CTGCGCCTGA.
Protein change: p.Gly278_Asp279delinsLeuArgLeuAsn.
Molecular consequence: inframe indel. On other transcripts: nonsense (1).
Genome position (GRCh38, 1-based): chr11:2,884,087-2,884,090, CGCC replaced by TCAGGCGCAG on the plus strand (GGCG replaced by CTGCGCCTGA on the coding strand, the reverse complement: CDKN1C is on the minus strand). VCF-style: chr11-2884087-CGCC-TCAGGCGCAG. GRCh37 (hg19) VCF-style: chr11-2905317-CGCC-TCAGGCGCAG.
Other names: c.865_868delinsCTGCGCCTGA, p.Gly289_Asp290delinsLeuArgLeuAsn (NM_000076.2, NM_001362474.2); c.832_835delinsCTGCGCCTGA, p.Gly278_Asp279delinsLeuArgLeuAsn (NM_001122631.2); c.300_303delinsCTGCGCCTGA, p.Ala101delinsCysAlaTer (NM_001362475.2).
Identifiers: ClinVar variation 1708131 (VCV001708131.1), dbSNP rs2494379988, ClinGen allele CA2580082641.

ClinVar aggregate classification (germline): Pathogenic (1 of 4 stars; one submission).

Conditions:
Beckwith-Wiedemann syndrome (BWS). Also called: Exomphalos macroglossia gigantism syndrome; EMG SYNDROME. Identifiers: Orphanet 116, MedGen C0004903, MONDO:0007534, OMIM 130650.

Submission:

Laboratory of Medical Genetics, National & Kapodistrian University of Athens
Classification: Pathogenic for Beckwith-Wiedemann syndrome. Last evaluated: 2021-12-10. Review status: criteria provided, single submitter. Criteria: ACMG Guidelines, 2015. Collection method: clinical testing. Allele origin: de novo. Affected: yes.
Comment: PVS1, PS2, PM2